The following is an entry in ClinVar:

NM_001371727.1(GABRB2):c.875T>C (p.Leu292Pro)

Gene: GABRB2 (gamma-aminobutyric acid type A receptor subunit beta2; minus strand). Cytogenetic location: 5q34.
Variant type: single nucleotide variant.
Coding change: c.875T>C on transcript NM_001371727.1 (MANE Select); coding-DNA position 875, T replaced by C.
Protein change: p.Leu292Pro; replaces leucine 292 with proline.
Molecular consequence: missense variant.
Genome position (GRCh38, 1-based): chr5:161,331,085, A>G on the plus strand (T>C on the coding strand, the complement: GABRB2 is on the minus strand). VCF-style: chr5-161331085-A-G. GRCh37 (hg19) VCF-style: chr5-160758092-A-G.
Other names: c.875T>C, p.Leu292Pro (NM_000813.3, NM_021911.3); short protein forms L292P.
Identifiers: ClinVar variation 4854029 (VCV004854029.1).

ClinVar aggregate classification (germline): Uncertain significance (1 of 4 stars; one submission).

Conditions:
Developmental and epileptic encephalopathy 92. Also called: EPILEPTIC ENCEPHALOPATHY, INFANTILE OR EARLY CHILDHOOD, 2. Identifiers: MedGen C4693362, MONDO:0020631, OMIM 617829.

Submission:

3billion
Classification: Uncertain significance for Developmental and epileptic encephalopathy 92. Last evaluated: 2025-12-05. Review status: criteria provided, single submitter. Criteria: ACMG Guidelines, 2015. Collection method: clinical testing. Allele origin: germline. Affected: yes.
Comment: The variant is not observed in the gnomAD v4.1.0 dataset. Predicted Consequence/Location: Missense variant. Missense changes are a common disease-causing mechanism. In silico tool predictions suggest damaging effect of the variant on gene or gene product [REVEL: 0.90 (>=0.6, sensitivity 0.68 and specificity 0.92); 3Cnet: 0.78 (> 0.75, sensitivity 0.96 and precision 0.92)]. Therefore, this variant is classified as VUS according to the recommendation of ACMG/AMP guideline.